The following is an entry in ClinVar:

ClinVar aggregate classification (germline): Likely benign. Review status: criteria provided, single submitter (1 of 4 stars). 2 submissions from 2 submitters: Likely benign (1). 1 of the submissions does not count toward it. Last evaluated 2024-05-14.

Conditions:
FAM111A-related disorder. Also called: FAM111A-related condition.

gnomAD v4.1: 13 of 1,613,932 alleles (0.00081%); highest among the groups gnomAD compares: South Asian, 0.013%; no homozygotes.

Submissions (2):

Blueprint Genetics
Classification: Likely benign. Last evaluated: 2024-05-14. Review status: criteria provided, single submitter. Criteria: ACMG Guidelines, 2015. Collection method: clinical testing. Allele origin: germline.

PreventionGenetics, part of Exact Sciences
Classification: Uncertain significance for FAM111A-related condition. Last evaluated: 2024-03-14. Review status: no assertion criteria provided. Collection method: clinical testing. Allele origin: germline. Not counted in ClinVar's aggregate classification.
Comment: The FAM111A c.276G>A variant is predicted to result in the amino acid substitution p.Met92Ile. To our knowledge, this variant has not been reported in the literature. This variant is reported in 0.020% of alleles in individuals of South Asian descent in gnomAD. At this time, the clinical significance of this variant is uncertain due to the absence of conclusive functional and genetic evidence.

NM_001312909.2(FAM111A):c.276G>A (p.Met92Ile)

Gene: FAM111A (FAM111 trypsin like peptidase A; plus strand). Cytogenetic location: 11q12.1.
Variant type: single nucleotide variant.
Coding change: c.276G>A on transcript NM_001312909.2 (MANE Select); coding-DNA position 276, G replaced by A.
Protein change: p.Met92Ile; replaces methionine 92 with isoleucine.
Molecular consequence: missense variant.
Genome position (GRCh38, 1-based): chr11:59,151,944, G>A. VCF-style: chr11-59151944-G-A. GRCh37 (hg19) VCF-style: chr11-58919417-G-A.
Other names: c.276G>A, p.Met92Ile (NM_001142519.3, NM_001142520.3, NM_001142521.3 and 29 more transcripts); short protein forms M92I.
Identifiers: ClinVar variation 3358488 (VCV003358488.2).